The following is an entry in ClinVar:

ClinVar aggregate classification (germline): Pathogenic (1 of 4 stars; one submission).

Conditions:
Developmental and epileptic encephalopathy, 11 (DEE11). Also called: Early infantile epileptic encephalopathy 11. Identifiers: Orphanet 1934, MedGen C3150987, MONDO:0013388, OMIM 613721.
Seizures, benign familial infantile, 3 (BFIS3). Also called: CONVULSIONS, BENIGN FAMILIAL INFANTILE, 3; Familial neonatal seizures. Identifiers: Orphanet 140927, Orphanet 306, MedGen C1843140, MONDO:0011904, OMIM 607745.

Submission:

Labcorp Genetics (formerly Invitae), Labcorp
Classification: Pathogenic for Seizures, benign familial infantile, 3; Developmental and epileptic encephalopathy, 11. Last evaluated: 2025-06-03. Review status: criteria provided, single submitter. Criteria: Invitae Variant Classification Sherloc (09022015). Collection method: clinical testing. Allele origin: germline.
Comment: This sequence change creates a premature translational stop signal (p.Gln1811*) in the SCN2A gene. While this is not anticipated to result in nonsense mediated decay, it is expected to disrupt the last 195 amino acid(s) of the SCN2A protein. This variant is not present in population databases (gnomAD no frequency). This variant has not been reported in the literature in individuals affected with SCN2A-related conditions. This variant disrupts a region of the SCN2A protein in which other variant(s) (p.Lys1890Asn) have been determined to be pathogenic (internal data). This suggests that this is a clinically significant region of the protein, and that variants that disrupt it are likely to be disease-causing. For these reasons, this variant has been classified as Pathogenic.

NM_001040142.2(SCN2A):c.5431C>T (p.Gln1811Ter)

Gene: SCN2A (sodium voltage-gated channel alpha subunit 2; plus strand). Cytogenetic location: 2q24.3.
Variant type: single nucleotide variant.
Coding change: c.5431C>T on transcript NM_001040142.2 (MANE Select); coding-DNA position 5431, C replaced by T.
Protein change: p.Gln1811Ter; replaces glutamine 1811 with a stop codon.
Molecular consequence: nonsense.
Genome position (GRCh38, 1-based): chr2:165,389,237, C>T. VCF-style: chr2-165389237-C-T. GRCh37 (hg19) VCF-style: chr2-166245747-C-T.
Other names: c.5431C>T, p.Gln1811Ter (NM_001040143.2, NM_001371246.1, NM_001371247.1 and 1 more transcripts); short protein forms Q1811*.
Identifiers: ClinVar variation 4785166 (VCV004785166.1).